The following is an entry in ClinVar:

ClinVar aggregate classification (germline): Likely pathogenic (1 of 4 stars; one submission).

Allele frequency attached by ClinVar (database versions not stated): TOPMed below 0.00001.

Submission:

Labcorp Genetics (formerly Invitae), Labcorp
Classification: Likely pathogenic. Last evaluated: 2023-07-27. Review status: criteria provided, single submitter. Criteria: Invitae Variant Classification Sherloc (09022015). Collection method: clinical testing. Allele origin: germline.
Comment: Algorithms developed to predict the effect of sequence changes on RNA splicing suggest that this variant may disrupt the consensus splice site. In summary, the currently available evidence indicates that the variant is pathogenic, but additional data are needed to prove that conclusively. Therefore, this variant has been classified as Likely Pathogenic. This variant has not been reported in the literature in individuals affected with ABCB4-related conditions. This variant is not present in population databases (gnomAD no frequency). This sequence change affects an acceptor splice site in intron 12 of the ABCB4 gene. It is expected to disrupt RNA splicing. Variants that disrupt the donor or acceptor splice site typically lead to a loss of protein function (PMID: 16199547), and loss-of-function variants in ABCB4 are known to be pathogenic (PMID: 17726488, 25755532).

Literature cited by the submitters: PubMed 16199547; PubMed 17726488; PubMed 25755532.

NM_000443.4(ABCB4):c.1357-2A>G

Gene: ABCB4 (ATP binding cassette subfamily B member 4; minus strand). Cytogenetic location: 7q21.12.
Variant type: single nucleotide variant.
Coding change: c.1357-2A>G on transcript NM_000443.4 (MANE Select); the canonical splice acceptor site of the intron before coding-DNA position 1357, A replaced by G.
Molecular consequence: splice acceptor variant.
Genome position (GRCh38, 1-based): chr7:87,440,404, T>C on the plus strand (A>G on the coding strand, the complement: ABCB4 is on the minus strand). VCF-style: chr7-87440404-T-C. GRCh37 (hg19) VCF-style: chr7-87069720-T-C.
Other names: c.1357-2A>G (NM_018850.3, NM_018849.3).
Identifiers: ClinVar variation 2736416 (VCV002736416.3), dbSNP rs1584742063, ClinGen allele CA368043089.